The following is an entry in ClinVar:

ClinVar aggregate classification (germline): Uncertain significance. Review status: criteria provided, multiple submitters, no conflicts (2 of 4 stars). 2 submissions from 2 submitters: Uncertain significance (2). Last evaluated 2025-01-21.

Conditions:
Primary ciliary dyskinesia. Also called: Ciliary dyskinesia. Identifiers: Orphanet 244, MedGen C0008780, MONDO:0016575, HP:0012265.

Submissions (2):

Ambry Genetics
Classification: Uncertain significance for Primary ciliary dyskinesia. Last evaluated: 2025-01-21. Review status: criteria provided, single submitter. Criteria: Ambry Variant Classification Scheme 2023. Collection method: clinical testing. Allele origin: germline.

Labcorp Genetics (formerly Invitae), Labcorp
Classification: Uncertain significance for Primary ciliary dyskinesia. Last evaluated: 2021-09-29. Review status: criteria provided, single submitter. Criteria: Invitae Variant Classification Sherloc (09022015). Collection method: clinical testing. Allele origin: germline.
Comment: This variant has not been reported in the literature in individuals affected with DNAH11-related conditions. This variant is not present in population databases (ExAC no frequency). This sequence change replaces valine with leucine at codon 4159 of the DNAH11 protein (p.Val4159Leu). The valine residue is moderately conserved and there is a small physicochemical difference between valine and leucine. Advanced modeling of protein sequence and biophysical properties (such as structural, functional, and spatial information, amino acid conservation, physicochemical variation, residue mobility, and thermodynamic stability) performed at Invitae indicates that this missense variant is not expected to disrupt DNAH11 protein function. In summary, the available evidence is currently insufficient to determine the role of this variant in disease. Therefore, it has been classified as a Variant of Uncertain Significance.

NM_001277115.2(DNAH11):c.12475G>T (p.Val4159Leu)

Gene: DNAH11 (dynein axonemal heavy chain 11; plus strand). Cytogenetic location: 7p15.3.
Variant type: single nucleotide variant.
Coding change: c.12475G>T on transcript NM_001277115.2 (MANE Select); coding-DNA position 12475, G replaced by T.
Protein change: p.Val4159Leu; replaces valine 4159 with leucine.
Molecular consequence: missense variant.
Genome position (GRCh38, 1-based): chr7:21,884,378, G>T. VCF-style: chr7-21884378-G-T. GRCh37 (hg19) VCF-style: chr7-21923996-G-T.
Other names: c.12475G>T (NM_001277115.1); short protein forms V4159L.
Identifiers: ClinVar variation 1432314 (VCV001432314.7), dbSNP rs771944678, ClinGen allele CA366964623.